The following is an entry in ClinVar:

ClinVar aggregate classification (germline): Uncertain significance (1 of 4 stars; one submission).

Conditions:
Hereditary diffuse gastric adenocarcinoma (HDGC). Also called: DIFFUSE GASTRIC AND LOBULAR BREAST CANCER SYNDROME. Identifiers: Orphanet 26106, MedGen C1708349, MONDO:0007648, OMIM 137215.

gnomAD v4.1: 1 of 1,614,150 alleles (0.000062%); highest among the groups gnomAD compares: Non-Finnish European, 0.000085%; no homozygotes.

Submission:

Labcorp Genetics (formerly Invitae), Labcorp
Classification: Uncertain significance for Hereditary diffuse gastric adenocarcinoma. Last evaluated: 2024-07-11. Review status: criteria provided, single submitter. Criteria: Invitae Variant Classification Sherloc (09022015). Collection method: clinical testing. Allele origin: germline.
Comment: This sequence change replaces isoleucine, which is neutral and non-polar, with threonine, which is neutral and polar, at codon 326 of the CDH1 protein (p.Ile326Thr). This variant is present in population databases (no rsID available, gnomAD 0.0009%). This variant has not been reported in the literature in individuals affected with CDH1-related conditions. An algorithm developed to predict the effect of missense changes on protein structure and function (PolyPhen-2) suggests that this variant is likely to be disruptive. In summary, the available evidence is currently insufficient to determine the role of this variant in disease. Therefore, it has been classified as a Variant of Uncertain Significance.

NM_004360.5(CDH1):c.977T>C (p.Ile326Thr)

Gene: CDH1 (cadherin 1; plus strand). Cytogenetic location: 16q22.1.
Variant type: single nucleotide variant.
Coding change: c.977T>C on transcript NM_004360.5 (MANE Select); coding-DNA position 977, T replaced by C.
Protein change: p.Ile326Thr; replaces isoleucine 326 with threonine.
Molecular consequence: missense variant. On other transcripts: 5 prime UTR variant (2).
Genome position (GRCh38, 1-based): chr16:68,811,828, T>C. VCF-style: chr16-68811828-T-C. GRCh37 (hg19) VCF-style: chr16-68845731-T-C.
Other names: c.977T>C, p.Ile326Thr (NM_001317184.2); c.-639T>C (NM_001317185.2); c.-843T>C (NM_001317186.2); short protein forms I326T.
Identifiers: ClinVar variation 3659208 (VCV003659208.2).
Genomic context (GRCh38, chr16:68,811,828, plus strand): 5'-GCCAAGATCCTGAGCTCCCTGACAAAAATATGTTCACCATTAACAGGAACACAGGAGTCA[T>C]CAGTGTGGTCACCACTGGGCTGGACCGAGAGGTCAGGGGTCAGGAGGATCCAGAGGGTGT-3'
Protein context (NP_004351.1, residues 316-336): MFTINRNTGV[Ile326Thr]SVVTTGLDRE